The following is an entry in ClinVar:

NM_000059.4(BRCA2):c.425+234G>A

Gene: BRCA2 (BRCA2 DNA repair associated; plus strand). Cytogenetic location: 13q13.1.
Variant type: single nucleotide variant.
Coding change: c.425+234G>A on transcript NM_000059.4 (MANE Select); 234 bases into the intron after coding-DNA position 425, G replaced by A.
Molecular consequence: intron variant.
Genome position (GRCh38, 1-based): chr13:32,325,418, G>A. VCF-style: chr13-32325418-G-A. GRCh37 (hg19) VCF-style: chr13-32899555-G-A.
Identifiers: ClinVar variation 264942 (VCV000264942.5), dbSNP rs11571612, ClinGen allele CA10588075.
Genomic context (GRCh38, chr13:32,325,418, plus strand): 5'-TTAGAAACATGTAAGTTGTTGTTCTTGTGATGTTGAATTGGCTGGTTTTCTGTATATTCT[G>A]TGATTTTTTAAGTAACAAAAATAACAGTGGTGAAAAGCAGTAAGTCAGTCCTTGAATTAT-3'

ClinVar aggregate classification (germline): Benign. Review status: reviewed by expert panel (3 of 4 stars). 2 submissions from 2 submitters: Benign (1). 1 of the submissions does not count toward it. Last evaluated 2016-09-28.

Conditions:
Breast-ovarian cancer, familial, susceptibility to, 2 (BROVCA2). Also called: BRCA2 Hereditary Breast and Ovarian Cancer. Identifiers: Orphanet 145, MedGen C2675520, MONDO:0012933, OMIM 612555. Disease mechanism: loss of function.

Allele frequency attached by ClinVar (database versions not stated): gnomAD 0.00127 and 0.00142; TOPMed 0.00271; 1000 Genomes Project 0.00359; 1000 Genomes Project 30x 0.00406.
gnomAD v4.1: 213 of 152,122 alleles (0.14%); highest among the groups gnomAD compares: Admixed American, 0.99%; 2 homozygotes.

Submissions (2):

Evidence-based Network for the Interpretation of Germline Mutant Alleles (ENIGMA)
Classification: Benign for Breast-ovarian cancer, familial, susceptibility to, 2. Last evaluated: 2016-09-28. Review status: reviewed by expert panel. Criteria: ENIGMA BRCA1/2 Classification Criteria (2015). Collection method: curation. Allele origin: germline.
Comment: Class 1 not pathogenic based on frequency >1% in an outbred sampleset. Frequency 0.0187 (Admixed American/Latino), derived from 1000 genomes (2013-05-02).

CeGaT Center for Human Genetics Tuebingen
Classification: Likely benign. Last evaluated: 2026-02-01. Review status: criteria provided, single submitter. Criteria: CeGaT Center For Human Genetics Tuebingen Variant Classification Criteria Version 2. Collection method: clinical testing. Allele origin: germline. Affected: yes. Observed: 4 variant alleles. Not counted in ClinVar's aggregate classification.
Comment: BRCA2: BS1